The following is an entry in ClinVar:

NM_001999.4(FBN2):c.106A>C (p.Lys36Gln)

Gene: FBN2 (fibrillin 2; minus strand). Cytogenetic location: 5q23.3.
Variant type: single nucleotide variant.
Coding change: c.106A>C on transcript NM_001999.4 (MANE Select); coding-DNA position 106, A replaced by C.
Protein change: p.Lys36Gln; replaces lysine 36 with glutamine.
Molecular consequence: missense variant.
Genome position (GRCh38, 1-based): chr5:128,537,498, T>G on the plus strand (A>C on the coding strand, the complement: FBN2 is on the minus strand). VCF-style: chr5-128537498-T-G. GRCh37 (hg19) VCF-style: chr5-127873191-T-G.
Other names: c.106A>C (NM_001999.3); short protein forms K36Q.
Identifiers: ClinVar variation 3693648 (VCV003693648.3).

ClinVar aggregate classification (germline): Conflicting classifications of pathogenicity. Review status: criteria provided, conflicting classifications (1 of 4 stars). 2 submissions from 2 submitters: Uncertain significance (1); Benign (1). Last evaluated 2026-06-06.

Conditions:
Congenital contractural arachnodactyly (CCA). Also called: BEALS SYNDROME; Arthrogryposis, distal, type 9; Beals-Hecht syndrome. Identifiers: Orphanet 115, MedGen C0220668, MONDO:0007363, OMIM 121050.
Familial thoracic aortic aneurysm and aortic dissection (TAAD). Also called: Thoracic aortic aneurysms and dissections. Identifiers: Orphanet 91387, MedGen C4707243, MONDO:0019625.

gnomAD v4.1: 10 of 1,584,312 alleles (0.00063%); highest among the groups gnomAD compares: African/African-American, 0.0067%; no homozygotes.

Submissions (2):

Ambry Genetics
Classification: Uncertain significance for Familial thoracic aortic aneurysm and aortic dissection. Last evaluated: 2026-06-06. Review status: criteria provided, single submitter. Criteria: Ambry Variant Classification Scheme 2023. Collection method: clinical testing. Allele origin: germline.
Comment: The p.K36Q variant (also known as c.106A>C), located in coding exon 1 of the FBN2 gene, results from an A to C substitution at nucleotide position 106. The lysine at codon 36 is replaced by glutamine, an amino acid with similar properties. This amino acid position is conserved. In addition, this alteration is predicted to be tolerated by in silico analysis. Based on the available evidence, the clinical significance of this variant remains unclear.

Labcorp Genetics (formerly Invitae), Labcorp
Classification: Benign for Congenital contractural arachnodactyly. Last evaluated: 2024-12-04. Review status: criteria provided, single submitter. Criteria: Invitae Variant Classification Sherloc (09022015). Collection method: clinical testing. Allele origin: germline.